The following is an entry in ClinVar:

ClinVar aggregate classification (germline): Uncertain significance (1 of 4 stars; one submission).

Conditions:
Hypertrophic cardiomyopathy 26. Also called: Cardiomyopathy, familial hypertrophic, 26. Identifiers: Orphanet 75249, MedGen C4310749, MONDO:0014883, OMIM 617047.
Myofibrillar myopathy 5. Also called: Filaminopathy (type); FILAMINOPATHY, AUTOSOMAL DOMINANT. Identifiers: Orphanet 171445, MedGen C1836050, MONDO:0012289, OMIM 609524.
Distal myopathy with posterior leg and anterior hand involvement. Also called: WILLIAMS DISTAL MYOPATHY. Identifiers: Orphanet 63273, MedGen C3279722, MONDO:0013550, OMIM 614065.

Submission:

Labcorp Genetics (formerly Invitae), Labcorp
Classification: Uncertain significance for Distal myopathy with posterior leg and anterior hand involvement; Myofibrillar myopathy 5; Hypertrophic cardiomyopathy 26. Last evaluated: 2024-05-09. Review status: criteria provided, single submitter. Criteria: Invitae Variant Classification Sherloc (09022015). Collection method: clinical testing. Allele origin: germline.
Comment: This sequence change replaces glutamine, which is neutral and polar, with lysine, which is basic and polar, at codon 1522 of the FLNC protein (p.Gln1522Lys). This variant is not present in population databases (gnomAD no frequency). This variant has not been reported in the literature in individuals affected with FLNC-related conditions. Advanced modeling of protein sequence and biophysical properties (such as structural, functional, and spatial information, amino acid conservation, physicochemical variation, residue mobility, and thermodynamic stability) has been performed at Invitae for this missense variant, however the output from this modeling did not meet the statistical confidence thresholds required to predict the impact of this variant on FLNC protein function. In summary, the available evidence is currently insufficient to determine the role of this variant in disease. Therefore, it has been classified as a Variant of Uncertain Significance.

NM_001458.5(FLNC):c.4564C>A (p.Gln1522Lys)

Gene: FLNC (filamin C; plus strand). Cytogenetic location: 7q32.1.
Variant type: single nucleotide variant.
Coding change: c.4564C>A on transcript NM_001458.5 (MANE Select); coding-DNA position 4564, C replaced by A.
Protein change: p.Gln1522Lys; replaces glutamine 1522 with lysine.
Molecular consequence: missense variant.
Genome position (GRCh38, 1-based): chr7:128,848,052, C>A. VCF-style: chr7-128848052-C-A. GRCh37 (hg19) VCF-style: chr7-128488106-C-A.
Other names: c.4564C>A, p.Gln1522Lys (NM_001127487.2); short protein forms Q1522K.
Identifiers: ClinVar variation 2933662 (VCV002933662.3), dbSNP rs2536646677, ClinGen allele CA369202022.
Genomic context (GRCh38, chr7:128,848,052, plus strand): 5'-ACTGTCCACTACACCCCAGCCACTGACGGGCCCTACACGGTAGCCGTCAAGTATGCTGAC[C>A]AGGAGGTGCCACGCAGGTGAGGACCAGCCCTGGGCTCCTGTGCTGCGGCTGAGCTCTGGG-3'
Protein context (NP_001449.3, residues 1512-1532): PYTVAVKYAD[Gln1522Lys]EVPRSPFKIK